The following is an entry in ClinVar:

NM_007294.4(BRCA1):c.5109T>A (p.Tyr1703Ter)

Gene: BRCA1 (BRCA1 DNA repair associated; minus strand). Cytogenetic location: 17q21.31.
Variant type: single nucleotide variant.
Coding change: c.5109T>A on transcript NM_007294.4 (MANE Select); coding-DNA position 5109, T replaced by A.
Protein change: p.Tyr1703Ter; replaces tyrosine 1703 with a stop codon.
Molecular consequence: nonsense. On other transcripts: non-coding transcript variant (1).
Genome position (GRCh38, 1-based): chr17:43,063,917, A>T on the plus strand (T>A on the coding strand, the complement: BRCA1 is on the minus strand). VCF-style: chr17-43063917-A-T. GRCh37 (hg19) VCF-style: chr17-41215934-A-T.
Other names: c.5109T>A, p.Tyr1703Ter (NM_001407597.1, NM_001407598.1, NM_001407602.1 and 7 more transcripts); c.5106T>A, p.Tyr1702Ter (NM_001407610.1, NM_001407621.1, NM_001407622.1 and 17 more transcripts); c.5103T>A, p.Tyr1701Ter (NM_001407627.1, NM_001407628.1, NM_001407629.1 and 14 more transcripts); c.5100T>A, p.Tyr1700Ter (NM_001407644.1, NM_001407645.1); c.5097T>A, p.Tyr1699Ter (NM_001407646.1); c.5094T>A, p.Tyr1698Ter (NM_001407647.1); c.5052T>A, p.Tyr1684Ter (NM_001407648.1); c.5049T>A, p.Tyr1683Ter (NM_001407649.1); and 71 more; short protein forms Y599*, Y1656*, Y1703*, Y1724*, Y1406*, Y1407*, Y1534*, Y1574*.
Identifiers: ClinVar variation 869038 (VCV000869038.3), dbSNP rs80356974, ClinGen allele CA10591312.

Conditions:
Breast-ovarian cancer, familial, susceptibility to, 1 (BROVCA1). Also called: BRCA1 Hereditary Breast and Ovarian Cancer; OVARIAN CANCER, SUSCEPTIBILITY TO. Identifiers: Orphanet 145, MedGen C2676676, MONDO:0011450, OMIM 604370. Disease mechanism: loss of function.

Submission:

Brotman Baty Institute, University of Washington
No classification provided (evidence only). Condition: Breast-ovarian cancer, familial 1. Review status: no classification provided. Collection method: in vitro. Allele origin: not applicable. Functional consequence: functionally_abnormal.
ClinVar note: "not provided" was previously submitted as the classification for the variant. However, the classification appeared to be based only on an observation of functional data so it was converted to no classification on 2025-07-30.